The following is an entry in ClinVar:

NM_000343.4(SLC5A1):c.673G>T (p.Glu225Ter)

Gene: SLC5A1 (solute carrier family 5 member 1; plus strand). Cytogenetic location: 22q12.3.
Variant type: single nucleotide variant.
Coding change: c.673G>T on transcript NM_000343.4 (MANE Select); coding-DNA position 673, G replaced by T.
Protein change: p.Glu225Ter; replaces glutamic acid 225 with a stop codon.
Molecular consequence: nonsense.
Genome position (GRCh38, 1-based): chr22:32,084,447, G>T. VCF-style: chr22-32084447-G-T. GRCh37 (hg19) VCF-style: chr22-32480434-G-T.
Other names: c.292G>T, p.Glu98Ter (NM_001256314.2); short protein forms E225*, E98*.
Identifiers: ClinVar variation 2812666 (VCV002812666.3), dbSNP rs774829996, ClinGen allele CA411303135.

ClinVar aggregate classification (germline): Pathogenic (1 of 4 stars; one submission).

Conditions:
Congenital glucose-galactose malabsorption (GGM). Also called: DIARRHEA 16; MONOSACCHARIDE MALABSORPTION. Identifiers: Orphanet 35710, MedGen C0268186, MONDO:0011731, OMIM 606824.

Submission:

Labcorp Genetics (formerly Invitae), Labcorp
Classification: Pathogenic for Congenital glucose-galactose malabsorption. Last evaluated: 2024-09-12. Review status: criteria provided, single submitter. Criteria: Invitae Variant Classification Sherloc (09022015). Collection method: clinical testing. Allele origin: germline.
Comment: This sequence change creates a premature translational stop signal (p.Glu225*) in the SLC5A1 gene. It is expected to result in an absent or disrupted protein product. Loss-of-function variants in SLC5A1 are known to be pathogenic (PMID: 8563765). This variant is not present in population databases (gnomAD no frequency). This variant has not been reported in the literature in individuals affected with SLC5A1-related conditions. For these reasons, this variant has been classified as Pathogenic.

Literature cited by the submitters: PubMed 8563765.